The following is an entry in ClinVar:

ClinVar aggregate classification (germline): Uncertain significance. Review status: criteria provided, multiple submitters, no conflicts (2 of 4 stars). 3 submissions from 3 submitters: Uncertain significance (3). Last evaluated 2025-10-18.

Conditions:
Polyps, multiple and recurrent inflammatory fibroid, gastrointestinal. Identifiers: MedGen C5193005, MONDO:0008285, OMIM 175510.
Gastrointestinal stromal tumor. Also called: Gastrointestinal stromal tumor, somatic; Gastrointestinal stroma tumor. Identifiers: Orphanet 44890, MedGen C0238198, MeSH D046152, MONDO:0011719, OMIM 606764, HP:0100723.
Hereditary cancer-predisposing syndrome. Also called: Hereditary neoplastic syndrome; Neoplastic Syndromes, Hereditary; Hereditary Cancer Syndrome; Tumor predisposition. Identifiers: Orphanet 140162, MedGen C0027672, MeSH D009386, MONDO:0015356.

Allele frequency attached by ClinVar (database versions not stated): gnomAD exomes below 0.00001.
gnomAD v4.1: 3 of 1,608,752 alleles (0.00019%); highest among the groups gnomAD compares: South Asian, 0.0022%; no homozygotes.

Submissions (3):

Labcorp Genetics (formerly Invitae), Labcorp
Classification: Uncertain significance for Gastrointestinal stromal tumor. Last evaluated: 2025-10-18. Review status: criteria provided, single submitter. Criteria: Invitae Variant Classification Sherloc (09022015). Collection method: clinical testing. Allele origin: germline.
Comment: This sequence change replaces threonine, which is neutral and polar, with isoleucine, which is neutral and non-polar, at codon 211 of the PDGFRA protein (p.Thr211Ile). This variant is not present in population databases (gnomAD no frequency). This variant has not been reported in the literature in individuals affected with PDGFRA-related conditions. ClinVar contains an entry for this variant (Variation ID: 568919). Invitae Evidence Modeling of protein sequence and biophysical properties (such as structural, functional, and spatial information, amino acid conservation, physicochemical variation, residue mobility, and thermodynamic stability) indicates that this missense variant is not expected to disrupt PDGFRA protein function with a negative predictive value of 80%. In summary, the available evidence is currently insufficient to determine the role of this variant in disease. Therefore, it has been classified as a Variant of Uncertain Significance.

Ambry Genetics
Classification: Uncertain significance for Hereditary cancer-predisposing syndrome. Last evaluated: 2025-03-30. Review status: criteria provided, single submitter. Criteria: Ambry Variant Classification Scheme 2023. Collection method: clinical testing. Allele origin: germline.
Comment: The p.T211I variant (also known as c.632C>T), located in coding exon 4 of the PDGFRA gene, results from a C to T substitution at nucleotide position 632. The threonine at codon 211 is replaced by isoleucine, an amino acid with similar properties. This amino acid position is conserved. In addition, this alteration is predicted to be tolerated by in silico analysis. Based on the available evidence, the clinical significance of this variant remains unclear.

Baylor Genetics
Classification: Uncertain significance for Polyps, multiple and recurrent inflammatory fibroid, gastrointestinal. Last evaluated: 2023-12-01. Review status: criteria provided, single submitter. Criteria: ACMG Guidelines, 2015. Collection method: clinical testing. Allele origin: unknown.

NM_006206.6(PDGFRA):c.632C>T (p.Thr211Ile)

Gene: PDGFRA (platelet derived growth factor receptor alpha; plus strand). Cytogenetic location: 4q12.
Variant type: single nucleotide variant.
Coding change: c.632C>T on transcript NM_006206.6 (MANE Select); coding-DNA position 632, C replaced by T.
Protein change: p.Thr211Ile; replaces threonine 211 with isoleucine.
Molecular consequence: missense variant.
Genome position (GRCh38, 1-based): chr4:54,264,922, C>T. VCF-style: chr4-54264922-C-T. GRCh37 (hg19) VCF-style: chr4-55131089-C-T.
Other names: c.632C>T, p.Thr211Ile (NM_001347827.2, NM_001347829.2); c.707C>T, p.Thr236Ile (NM_001347828.2); c.671C>T, p.Thr224Ile (NM_001347830.2); short protein forms T211I, T224I, T236I.
Identifiers: ClinVar variation 568919 (VCV000568919.12), dbSNP rs1560470251, ClinGen allele CA356890663.